The following is an entry in ClinVar:

ClinVar aggregate classification (germline): Uncertain significance. Review status: criteria provided, multiple submitters, no conflicts (2 of 4 stars). 3 submissions from 3 submitters: Uncertain significance (3). Last evaluated 2025-03-28.

Conditions:
Inborn genetic diseases. Identifiers: MedGen C0950123, MeSH D030342.
Epidermolysis bullosa simplex 5B, with muscular dystrophy (EBS5B). Also called: Epidermolysis bullosa simplex with muscular dystrophy; EPIDERMOLYSIS BULLOSA SIMPLEX AND LIMB-GIRDLE MUSCULAR DYSTROPHY. Identifiers: Orphanet 257, MedGen C2931072, MONDO:0009181, OMIM 226670.
Epidermolysis bullosa simplex 5C, with pyloric atresia (EBS5C). Also called: PLEC1-Related Epidermolysis Bullosa with Pyloric Atresia; Epidermolysis bullosa simplex with pyloric atresia; PLEC-Related Epidermolysis Bullosa with Pyloric Atresia. Identifiers: Orphanet 158684, MedGen C2677349, MONDO:0012807, OMIM 612138.
Epidermolysis bullosa simplex, Ogna type (EBS5A). Also called: Pidermolysis bullosa simplex 5A, Ogna type; EPIDERMOLYSIS BULLOSA SIMPLEX 5A, OGNA TYPE. Identifiers: Orphanet 79401, MedGen C0432317, MONDO:0007555, OMIM 131950.
Autosomal recessive limb-girdle muscular dystrophy type 2Q (LGMDR17). Also called: MUSCULAR DYSTROPHY, LIMB-GIRDLE, AUTOSOMAL RECESSIVE 17. Identifiers: Orphanet 254361, MedGen C3150989, MONDO:0013390, OMIM 613723.
Epidermolysis bullosa simplex with nail dystrophy (EBS5D). Identifiers: MedGen C4225309, MONDO:0014661, OMIM 616487.

Allele frequency attached by ClinVar (database versions not stated): gnomAD 0.00002; TOPMed 0.00003; ExAC 0.00009; 1000 Genomes Project 0.00020; 1000 Genomes Project 30x 0.00031.

Submissions (3):

Ambry Genetics
Classification: Uncertain significance for Inborn genetic diseases. Last evaluated: 2025-03-28. Review status: criteria provided, single submitter. Criteria: Ambry Variant Classification Scheme 2023. Collection method: clinical testing. Allele origin: germline.

Labcorp Genetics (formerly Invitae), Labcorp
Classification: Uncertain significance for Autosomal recessive limb-girdle muscular dystrophy type 2Q; Epidermolysis bullosa simplex, Ogna type; Epidermolysis bullosa simplex with nail dystrophy; Epidermolysis bullosa simplex 5C, with pyloric atresia; Epidermolysis bullosa simplex 5B, with muscular dystrophy. Last evaluated: 2024-07-22. Review status: criteria provided, single submitter. Criteria: Invitae Variant Classification Sherloc (09022015). Collection method: clinical testing. Allele origin: germline.
Comment: This sequence change replaces arginine, which is basic and polar, with cysteine, which is neutral and slightly polar, at codon 2273 of the PLEC protein (p.Arg2273Cys). This variant is present in population databases (rs574445074, gnomAD 0.01%). This variant has not been reported in the literature in individuals affected with PLEC-related conditions. ClinVar contains an entry for this variant (Variation ID: 856402). An algorithm developed to predict the effect of missense changes on protein structure and function (PolyPhen-2) suggests that this variant is likely to be disruptive. In summary, the available evidence is currently insufficient to determine the role of this variant in disease. Therefore, it has been classified as a Variant of Uncertain Significance.

Revvity Omics, Revvity
Classification: Uncertain significance. Last evaluated: 2019-08-23. Review status: criteria provided, single submitter. Criteria: ACMG Guidelines, 2015. Collection method: clinical testing. Allele origin: germline.

NM_201384.3(PLEC):c.6736C>T (p.Arg2246Cys)

Gene: PLEC (plectin; minus strand). Cytogenetic location: 8q24.3.
Variant type: single nucleotide variant.
Coding change: c.6736C>T on transcript NM_201384.3 (MANE Select); coding-DNA position 6736, C replaced by T.
Protein change: p.Arg2246Cys; replaces arginine 2246 with cysteine.
Molecular consequence: missense variant.
Genome position (GRCh38, 1-based): chr8:143,923,193, G>A on the plus strand (C>T on the coding strand, the complement: PLEC is on the minus strand). VCF-style: chr8-143923193-G-A. GRCh37 (hg19) VCF-style: chr8-144997361-G-A.
Other names: c.6817C>T (NM_000445.3); c.6817C>T, p.Arg2273Cys (NM_000445.5); c.6694C>T, p.Arg2232Cys (NM_201378.4); c.6670C>T, p.Arg2224Cys (NM_201379.3); c.7147C>T, p.Arg2383Cys (NM_201380.4); c.6640C>T, p.Arg2214Cys (NM_201381.3); c.6736C>T, p.Arg2246Cys (NM_201382.4); c.6748C>T, p.Arg2250Cys (NM_201383.3); short protein forms R2383C, R2224C, R2250C, R2273C, R2232C, R2214C, R2246C.
Identifiers: ClinVar variation 856402 (VCV000856402.10), dbSNP rs574445074, ClinGen allele CA4925879.